The following is an entry in ClinVar:

NM_000038.6(APC):c.1259del (p.Cys420fs)

Gene: APC (APC regulator of Wnt signaling pathway; plus strand). Cytogenetic location: 5q22.2.
Variant type: Deletion.
Coding change: c.1259del on transcript NM_000038.6 (MANE Select); coding-DNA position 1259, one base deleted (G; older notation c.1259delG).
Protein change: p.Cys420fs; shifts the reading frame from cysteine 420.
Molecular consequence: frameshift variant. On other transcripts: non-coding transcript variant (2).
Genome position (GRCh38, 1-based): chr5:112,819,291, G deleted. VCF-style (leftmost placement, unchanged base first): chr5-112819290-TG-T. GRCh37 (hg19) VCF-style: chr5-112154987-TG-T.
Other names: c.1259del, p.Cys420fs (NM_001127510.3, NM_001354895.2, NM_001354896.2 and 4 more transcripts); c.1205del, p.Cys402fs (NM_001127511.3); c.1289del, p.Cys430fs (NM_001354897.2, NM_001407446.1); c.1184del, p.Cys395fs (NM_001354898.2, NM_001407451.1); c.1175del, p.Cys392fs (NM_001354899.2, NM_001407452.1); c.1082del, p.Cys361fs (NM_001354900.2, NM_001354901.2, NM_001407453.1); c.986del, p.Cys329fs (NM_001354902.2); c.956del, p.Cys319fs (NM_001354903.2, NM_001407454.1, NM_001407455.1 and 5 more transcripts); and 5 more; short protein forms C137fs, C260fs, C291fs, C294fs, C319fs, C329fs, C361fs, C36fs.
Identifiers: ClinVar variation 2583725 (VCV002583725.1), dbSNP rs2533057039, ClinGen allele CA2582341273.

ClinVar aggregate classification (germline): Pathogenic (1 of 4 stars; one submission).

Conditions:
Familial adenomatous polyposis 1 (FAP1). Also called: POLYPOSIS, ADENOMATOUS INTESTINAL; FAMILIAL ADENOMATOUS POLYPOSIS 1, ATTENUATED. Identifiers: MedGen C2713442, MONDO:0021056, OMIM 175100. Disease mechanism: loss of function.

Submission:

Myriad Genetics, Inc.
Classification: Pathogenic for Familial adenomatous polyposis 1. Last evaluated: 2023-05-01. Review status: criteria provided, single submitter. Criteria: Myriad Autosomal Dominant, Autosomal Recessive and X-Linked Classification Criteria (2023). Collection method: clinical testing. Allele origin: unknown.
Comment: This variant is considered pathogenic. This variant creates a frameshift predicted to result in premature protein truncation.